The following is an entry in ClinVar:

NM_001082486.2(ACD):c.791C>T (p.Thr264Ile)

Gene: ACD (ACD shelterin complex subunit and telomerase recruitment factor; minus strand). Cytogenetic location: 16q22.1.
Variant type: single nucleotide variant.
Coding change: c.791C>T on transcript NM_001082486.2 (MANE Select); coding-DNA position 791, C replaced by T.
Protein change: p.Thr264Ile; replaces threonine 264 with isoleucine.
Molecular consequence: missense variant.
Genome position (GRCh38, 1-based): chr16:67,658,593, G>A on the plus strand (C>T on the coding strand, the complement: ACD is on the minus strand). VCF-style: chr16-67658593-G-A. GRCh37 (hg19) VCF-style: chr16-67692496-G-A.
Other names: c.782C>T, p.Thr261Ile (NM_022914.3); short protein forms T261I, T264I.
Identifiers: ClinVar variation 1776368 (VCV001776368.7), dbSNP rs1293649438, ClinGen allele CA396353229.
Genomic context (GRCh38, chr16:67,658,593, plus strand): 5'-TGTGACCTGTGCATCACCTCACCTGAGGAACTGGGTGAGGAAGGAGGAGAGGCTATGAGG[G>A]TCAGAGATAGGTCCTGCAGAGCCGGGTCTGGTGGGGGCAGCTCAGGGCCTGGGGGGTTCA-3'
Protein context (NP_001075955.2, residues 254-274): PDPALQDLSL[Thr264Ile]LIASPPSSPS

ClinVar aggregate classification (germline): Uncertain significance. Review status: criteria provided, multiple submitters, no conflicts (2 of 4 stars). 2 submissions from 2 submitters: Uncertain significance (2). Last evaluated 2022-09-14.

Conditions:
Dyskeratosis congenita, autosomal dominant 6 (DKCA6). Identifiers: Orphanet 3322, MedGen C4225284, MONDO:0014690, OMIM 616553.
Inborn genetic diseases. Identifiers: MedGen C0950123, MeSH D030342.

Submissions (2):

Labcorp Genetics (formerly Invitae), Labcorp
Classification: Uncertain significance for Dyskeratosis congenita, autosomal dominant 6. Last evaluated: 2022-09-14. Review status: criteria provided, single submitter. Criteria: Invitae Variant Classification Sherloc (09022015). Collection method: clinical testing. Allele origin: germline.
Comment: Advanced modeling of protein sequence and biophysical properties (such as structural, functional, and spatial information, amino acid conservation, physicochemical variation, residue mobility, and thermodynamic stability) performed at Invitae indicates that this missense variant is expected to disrupt ACD protein function. This variant has not been reported in the literature in individuals affected with ACD-related conditions. This variant is not present in population databases (gnomAD no frequency). This sequence change replaces threonine, which is neutral and polar, with isoleucine, which is neutral and non-polar, at codon 350 of the ACD protein (p.Thr350Ile). In summary, the available evidence is currently insufficient to determine the role of this variant in disease. Therefore, it has been classified as a Variant of Uncertain Significance.

Ambry Genetics
Classification: Uncertain significance for Inborn genetic diseases. Last evaluated: 2021-07-18. Review status: criteria provided, single submitter. Criteria: Ambry Variant Classification Scheme 2023. Collection method: clinical testing. Allele origin: germline.
Comment: The p.T350I variant (also known as c.1049C>T), located in coding exon 9 of the ACD gene, results from a C to T substitution at nucleotide position 1049. The threonine at codon 350 is replaced by isoleucine, an amino acid with similar properties. This amino acid position is conserved. In addition, this alteration is predicted to be tolerated by in silico analysis. Since supporting evidence is limited at this time, the clinical significance of this alteration remains unclear.